The following is an entry in ClinVar:

NM_000522.5(HOXA13):c.921C>G (p.Pro307=)

Genes: HOXA13 (homeobox A13; minus strand), LOC107126288 (NUP98-HOXA13 recombination region; plus strand). Cytogenetic location: 7p15.2.
Variant type: single nucleotide variant.
Coding change: c.921C>G on transcript NM_000522.5 (MANE Select); coding-DNA position 921, C replaced by G.
Protein change: p.Pro307=; no amino-acid change (proline 307 retained).
Molecular consequence: synonymous variant.
Genome position (GRCh38, 1-based): chr7:27,199,157, G>C on the plus strand (C>G on the coding strand, the complement: HOXA13 is on the minus strand). VCF-style: chr7-27199157-G-C. GRCh37 (hg19) VCF-style: chr7-27238776-G-C.
Identifiers: ClinVar variation 1497961 (VCV001497961.8), dbSNP rs766459219, ClinGen allele CA4198594.
Genomic context (GRCh38, chr7:27,199,157, plus strand): 5'-GCGGAGAAGAAGCTGGAGCAGAGCCGGAAGACCAGGGCTGGGAATAGGTCGTCATTTACC[G>C]GGCAGAGTGGACTTCCAGAGGTGGGGAGGCTGCGCCTGCTCTTTGGGGCAGTACATTTGG-3'
Protein context (NP_000513.2, residues 297-317): QPPHLWKSTL[Pro307=]DVVSHPSDAS

ClinVar aggregate classification (germline): Uncertain significance (1 of 4 stars; one submission).

Allele frequency attached by ClinVar (database versions not stated): ExAC 0.00003.

Submission:

Labcorp Genetics (formerly Invitae), Labcorp
Classification: Uncertain significance. Last evaluated: 2023-05-22. Review status: criteria provided, single submitter. Criteria: Invitae Variant Classification Sherloc (09022015). Collection method: clinical testing. Allele origin: germline.
Comment: In summary, the available evidence is currently insufficient to determine the role of this variant in disease. Therefore, it has been classified as a Variant of Uncertain Significance. Algorithms developed to predict the effect of sequence changes on RNA splicing suggest that this variant is not likely to affect RNA splicing. ClinVar contains an entry for this variant (Variation ID: 1497961). This variant has not been reported in the literature in individuals affected with HOXA13-related conditions. This variant is present in population databases (rs766459219, gnomAD 0.01%). This sequence change affects codon 307 of the HOXA13 mRNA. It is a 'silent' change, meaning that it does not change the encoded amino acid sequence of the HOXA13 protein. It affects a nucleotide within the consensus splice site.